The following is an entry in ClinVar:

NM_001358530.2(MOCS1):c.133A>G (p.Arg45Gly)

Gene: MOCS1 (molybdenum cofactor synthesis 1; minus strand). Cytogenetic location: 6p21.2.
Variant type: single nucleotide variant.
Coding change: c.133A>G on transcript NM_001358530.2 (MANE Select); coding-DNA position 133, A replaced by G.
Protein change: p.Arg45Gly; replaces arginine 45 with glycine.
Molecular consequence: missense variant. On other transcripts: 5 prime UTR variant (1), intron variant (2).
Genome position (GRCh38, 1-based): chr6:39,927,446, T>C on the plus strand (A>G on the coding strand, the complement: MOCS1 is on the minus strand). VCF-style: chr6-39927446-T-C. GRCh37 (hg19) VCF-style: chr6-39895185-T-C.
Other names: c.133A>G, p.Arg45Gly (NM_001075098.4, NM_001358529.2, NM_005943.6); c.-129A>G (NM_001358534.2); c.-11-1601A>G (NM_001358531.2, NM_001358533.2); short protein forms R45G.
Identifiers: ClinVar variation 1916324 (VCV001916324.5), dbSNP rs747305781, ClinGen allele CA3796432.

ClinVar aggregate classification (germline): Uncertain significance (1 of 4 stars; one submission).

Conditions:
Sulfite oxidase deficiency due to molybdenum cofactor deficiency type A. Also called: Molybdenum Cofactor Deficiency A; Molybdenum cofactor deficiency, complementation group A. Identifiers: Orphanet 308386, Orphanet 833, MedGen C1854988, MONDO:0009643, OMIM 252150.

Allele frequency attached by ClinVar (database versions not stated): gnomAD exomes below 0.00001; ExAC 0.00001.
gnomAD v4.1: 1 of 1,611,630 alleles (0.000062%); highest among the groups gnomAD compares: East Asian, 0.0022%; no homozygotes.

Submission:

Labcorp Genetics (formerly Invitae), Labcorp
Classification: Uncertain significance for Sulfite oxidase deficiency due to molybdenum cofactor deficiency type A. Last evaluated: 2022-05-07. Review status: criteria provided, single submitter. Criteria: Invitae Variant Classification Sherloc (09022015). Collection method: clinical testing. Allele origin: germline.
Comment: In summary, the available evidence is currently insufficient to determine the role of this variant in disease. Therefore, it has been classified as a Variant of Uncertain Significance. Algorithms developed to predict the effect of missense changes on protein structure and function output the following: SIFT: "Not Available"; PolyPhen-2: "Benign"; Align-GVGD: "Not Available". The glycine amino acid residue is found in multiple mammalian species, which suggests that this missense change does not adversely affect protein function. This variant has not been reported in the literature in individuals affected with MOCS1-related conditions. This variant is present in population databases (rs747305781, gnomAD 0.006%). This sequence change replaces arginine, which is basic and polar, with glycine, which is neutral and non-polar, at codon 45 of the MOCS1 protein (p.Arg45Gly).